The following is an entry in ClinVar:

ClinVar aggregate classification (germline): Pathogenic (1 of 4 stars; one submission).

Allele frequency attached by ClinVar (database versions not stated): gnomAD exomes below 0.00001.

Submission:

Labcorp Genetics (formerly Invitae), Labcorp
Classification: Pathogenic. Last evaluated: 2024-01-01. Review status: criteria provided, single submitter. Criteria: Invitae Variant Classification Sherloc (09022015). Collection method: clinical testing. Allele origin: germline.
Comment: This sequence change creates a premature translational stop signal (p.Gln212Argfs*33) in the UROD gene. It is expected to result in an absent or disrupted protein product. Loss-of-function variants in UROD are known to be pathogenic (PMID: 1634232, 17240319, 19233912, 19419417, 23545314). This variant is present in population databases (no rsID available, gnomAD 0.0009%). This variant has not been reported in the literature in individuals affected with UROD-related conditions. Algorithms developed to predict the effect of sequence changes on RNA splicing suggest that this variant may disrupt the consensus splice site. For these reasons, this variant has been classified as Pathogenic.

Literature cited by the submitters: PubMed 1634232; PubMed 17240319; PubMed 19233912; PubMed 19419417; PubMed 23545314.

NM_000374.5(UROD):c.635del (p.Gln212fs)

Gene: UROD (uroporphyrinogen decarboxylase; plus strand). Cytogenetic location: 1p34.1.
Variant type: Deletion.
Coding change: c.635del on transcript NM_000374.5 (MANE Select); coding-DNA position 635, one base deleted (A; older notation c.635delA).
Protein change: p.Gln212fs; shifts the reading frame from glutamine 212.
Molecular consequence: frameshift variant. On other transcripts: non-coding transcript variant (3).
Genome position (GRCh38, 1-based): chr1:45,014,069, A deleted. VCF-style (leftmost placement, unchanged base first): chr1-45014068-CA-C. GRCh37 (hg19) VCF-style: chr1-45479740-CA-C.
Other names: short protein forms Q212fs.
Identifiers: ClinVar variation 2826063 (VCV002826063.3), dbSNP rs1460766783, ClinGen allele CA522567465.